The following is an entry in ClinVar:

NM_001267550.2(TTN):c.84448T>C (p.Tyr28150His)

Genes: TTN-AS1 (TTN antisense RNA 1; plus strand), TTN (titin; minus strand). Cytogenetic location: 2q31.2.
Variant type: single nucleotide variant.
Coding change: c.84448T>C on transcript NM_001267550.2 (MANE Select); coding-DNA position 84448, T replaced by C.
Protein change: p.Tyr28150His; replaces tyrosine 28150 with histidine.
Molecular consequence: missense variant.
Genome position (GRCh38, 1-based): chr2:178,561,684, A>G on the plus strand (T>C on the coding strand, the complement: TTN is on the minus strand). VCF-style: chr2-178561684-A-G. GRCh37 (hg19) VCF-style: chr2-179426411-A-G.
Other names: c.76744T>C, p.Tyr25582His (NM_133378.4); c.79525T>C, p.Tyr26509His (NM_001256850.1); c.57253T>C, p.Tyr19085His (NM_003319.4); c.57628T>C, p.Tyr19210His (NM_133432.3); c.57829T>C, p.Tyr19277His (NM_133437.4); short protein forms Y28150H, Y25582H, Y26509H, Y19085H, Y19277H, Y19210H.
Identifiers: ClinVar variation 47435 (VCV000047435.19), dbSNP rs397517727, ClinGen allele CA140988.

ClinVar aggregate classification (germline): Conflicting classifications of pathogenicity. Review status: criteria provided, conflicting classifications (1 of 4 stars). 5 submissions from 5 submitters: Uncertain significance (3); Likely benign (2). Last evaluated 2025-02-06.

Conditions:
Dilated cardiomyopathy 1G (CMD1G). Identifiers: Orphanet 154, MedGen C1858763, MONDO:0011400, OMIM 604145.
Autosomal recessive limb-girdle muscular dystrophy type 2J (LGMDR10). Also called: Limb-girdle muscular dystrophy, type 2J; MUSCULAR DYSTROPHY, LIMB-GIRDLE, AUTOSOMAL RECESSIVE 10. Identifiers: Orphanet 140922, MedGen C1837342, MONDO:0012127, OMIM 608807.
Cardiomyopathy (CMYO). Also called: Cardiomyopathies. Identifiers: Orphanet 167848, MedGen C0878544, MONDO:0004994, HP:0001638. Inheritance: Various modes of inheritance.

Allele frequency attached by ClinVar (database versions not stated): gnomAD 0.00001; TOPMed 0.00002; gnomAD exomes 0.00004 and 0.00010; ExAC 0.00010; 1000 Genomes Project 30x 0.00031; 1000 Genomes Project 0.00040.
gnomAD v4.1: 60 of 1,607,234 alleles (0.0037%); highest among the groups gnomAD compares: South Asian, 0.062%; 1 homozygote.

Submissions (5):

Labcorp Genetics (formerly Invitae), Labcorp
Classification: Likely benign for Dilated cardiomyopathy 1G; Autosomal recessive limb-girdle muscular dystrophy type 2J. Last evaluated: 2025-02-06. Review status: criteria provided, single submitter. Criteria: Invitae Variant Classification Sherloc (09022015). Collection method: clinical testing. Allele origin: germline.

Women's Health and Genetics/Laboratory Corporation of America, LabCorp
Classification: Uncertain significance. Last evaluated: 2022-04-09. Review status: criteria provided, single submitter. Criteria: LabCorp Variant Classification Summary - May 2015. Collection method: clinical testing. Allele origin: germline.

Revvity Omics, Revvity
Classification: Uncertain significance. Last evaluated: 2021-12-02. Review status: criteria provided, single submitter. Criteria: ACMG Guidelines, 2015. Collection method: clinical testing. Allele origin: germline.

CHEO Genetics Diagnostic Laboratory, Children's Hospital of Eastern Ontario
Classification: Likely benign for Cardiomyopathy. Last evaluated: 2021-04-28. Review status: criteria provided, single submitter. Criteria: ACMG Guidelines, 2015. Collection method: clinical testing. Allele origin: germline.

Laboratory for Molecular Medicine, Mass General Brigham Personalized Medicine
Classification: Uncertain significance. Last evaluated: 2012-11-28. Review status: criteria provided, single submitter. Criteria: LMM Criteria. Collection method: clinical testing. Allele origin: germline. Observed: 1 variant allele.
Comment: The Tyr25582His variant in TTN has not been reported in the literature nor previ ously identified by our laboratory. This variant has not been identified in larg e and broad European American and African American populations by the NHLBI Exom e Sequencing Project, though it remains poss ible that this variant is common in other populations. Computational analyses (b iochemical amino acid properties, conservation, AlignGVGD, PolyPhen2, and SIFT) do not provide strong support for or against an impact to the protein. Additiona l information is needed to fully assess the clinical significance of the Tyr2558 2His variant.